The following is an entry in ClinVar:

NM_001001331.4(ATP2B2):c.2684C>A (p.Thr895Lys)

Gene: ATP2B2 (ATPase plasma membrane Ca2+ transporting 2; minus strand). Cytogenetic location: 3p25.3.
Variant type: single nucleotide variant.
Coding change: c.2684C>A on transcript NM_001001331.4 (MANE Select); coding-DNA position 2684, C replaced by A.
Protein change: p.Thr895Lys; replaces threonine 895 with lysine.
Molecular consequence: missense variant.
Genome position (GRCh38, 1-based): chr3:10,345,403, G>T on the plus strand (C>A on the coding strand, the complement: ATP2B2 is on the minus strand). VCF-style: chr3-10345403-G-T. GRCh37 (hg19) VCF-style: chr3-10387087-G-T.
Other names: c.2549C>A, p.Thr850Lys (NM_001330611.3, NM_001353564.1, NM_001363862.1 and 1 more transcripts); short protein forms T850K, T895K.
Identifiers: ClinVar variation 1878848 (VCV001878848.1), dbSNP rs2470168483, ClinGen allele CA351778241.

ClinVar aggregate classification (germline): Uncertain significance (1 of 4 stars; one submission).

Submission:

GeneDx
Classification: Uncertain significance. Last evaluated: 2022-07-14. Review status: criteria provided, single submitter. Criteria: GeneDx Variant Classification Process June 2021. Collection method: clinical testing. Allele origin: germline. Affected: yes.
Comment: Not observed at significant frequency in large population cohorts (gnomAD); In silico analysis supports that this missense variant has a deleterious effect on protein structure/function; Has not been previously published as pathogenic or benign to our knowledge